The following is an entry in ClinVar:

NM_175914.5(HNF4A):c.1290C>T (p.Ala430=)

Gene: HNF4A (hepatocyte nuclear factor 4 alpha; plus strand). Cytogenetic location: 20q13.12.
Variant type: single nucleotide variant.
Coding change: c.1290C>T on transcript NM_175914.5 (MANE Select); coding-DNA position 1290, C replaced by T.
Protein change: p.Ala430=; no amino-acid change (alanine 430 retained).
Molecular consequence: synonymous variant.
Genome position (GRCh38, 1-based): chr20:44,429,596, C>T. VCF-style: chr20-44429596-C-T. GRCh37 (hg19) VCF-style: chr20-43058236-C-T.
Other names: c.1356C>T, p.Ala452= (NM_000457.6); c.1260C>T, p.Ala420= (NM_001030003.3); c.1335C>T, p.Ala445= (NM_001258355.2); c.1251C>T, p.Ala417= (NM_001287182.2); c.1281C>T, p.Ala427= (NM_001287183.2); c.1326C>T, p.Ala442= (NM_178849.3).
Identifiers: ClinVar variation 898237 (VCV000898237.4), dbSNP rs530389600, ClinGen allele CA9870527.
Genomic context (GRCh38, chr20:44,429,596, plus strand): 5'-CCCACAGCCCTCACCGCCAGGTGGCTCAGGGTCTGAGCCCTATAAGCTCCTGCCGGGAGC[C>T]GTCGCCACAATCGTCAAGCCCCTCTCTGCCATCCCCCAGCCGACCATCACCAAGCAGGAA-3'
Protein context (NP_787110.2, residues 420-440): GSEPYKLLPG[Ala430=]VATIVKPLSA

ClinVar aggregate classification (germline): Uncertain significance. Review status: criteria provided, single submitter (1 of 4 stars). 2 submissions from 1 submitter: Uncertain significance (2). Last evaluated 2017-04-28.

Conditions:
Maturity-onset diabetes of the young type 1. Also called: MODY type 1; Diabetes mellitus MODY type 1; MODY HNF4A related; HNF4A-Related Maturity-Onset Diabetes of the Young Type 1; MILD JUVENILE DIABETES MELLITUS; MODY, type I. Identifiers: Orphanet 552, MedGen C1852093, MONDO:0007452, OMIM 125850. Disease mechanism: loss of function.
Familial hyperinsulinism. Also called: Congenital hyperinsulinism. Identifiers: Orphanet 276525, MedGen C3888018, MONDO:0017182. Disease mechanism: loss of function.

Allele frequency attached by ClinVar (database versions not stated): TOPMed 0.00002.
gnomAD v4.1: 18 of 1,613,894 alleles (0.0011%); highest among the groups gnomAD compares: Middle Eastern, 0.016%; no homozygotes.

Submissions (2):

Illumina Laboratory Services, Illumina
Classification: Uncertain significance for Familial hyperinsulinism. Last evaluated: 2017-04-28. Review status: criteria provided, single submitter. Criteria: ICSL Variant Classification Criteria 13 December 2019. Collection method: clinical testing. Allele origin: germline.

Illumina Laboratory Services, Illumina
Classification: Uncertain significance for Maturity-onset diabetes of the young type 1. Last evaluated: 2017-04-28. Review status: criteria provided, single submitter. Criteria: ICSL Variant Classification Criteria 13 December 2019. Collection method: clinical testing. Allele origin: germline.
Comment: This variant was observed as part of a predisposition screen in an ostensibly healthy population. A literature search was performed for the gene, cDNA change, and amino acid change (where applicable). Publications were found based on this search. However, the evidence from the literature, in combination with allele frequency data from public databases where available, was not sufficient to rule this variant in or out of causing disease. Therefore, this variant is classified as a variant of unknown significance.

Literature cited by the submitters: PubMed 26059258.